The following is an entry in ClinVar:

NM_004304.5(ALK):c.4567G>C (p.Ala1523Pro)

Gene: ALK (ALK receptor tyrosine kinase; minus strand). Cytogenetic location: 2p23.2.
Variant type: single nucleotide variant.
Coding change: c.4567G>C on transcript NM_004304.5 (MANE Select); coding-DNA position 4567, G replaced by C.
Protein change: p.Ala1523Pro; replaces alanine 1523 with proline.
Molecular consequence: missense variant.
Genome position (GRCh38, 1-based): chr2:29,193,520, C>G on the plus strand (G>C on the coding strand, the complement: ALK is on the minus strand). VCF-style: chr2-29193520-C-G. GRCh37 (hg19) VCF-style: chr2-29416386-C-G.
Other names: c.1363G>C, p.Ala455Pro (NM_001353765.2); short protein forms A1523P, A455P.
Identifiers: ClinVar variation 470878 (VCV000470878.3), dbSNP rs1553386968, ClinGen allele CA346460744.

ClinVar aggregate classification (germline): Uncertain significance (1 of 4 stars; one submission).

Conditions:
Neuroblastoma, susceptibility to, 3. Also called: ALK-Related Neuroblastic Tumor Susceptibility. Identifiers: Orphanet 635, MedGen C2751681, MONDO:0013083, OMIM 613014.

Submission:

Labcorp Genetics (formerly Invitae), Labcorp
Classification: Uncertain significance for Neuroblastoma, susceptibility to, 3. Last evaluated: 2025-09-14. Review status: criteria provided, single submitter. Criteria: Invitae Variant Classification Sherloc (09022015). Collection method: clinical testing. Allele origin: germline.
Comment: This sequence change replaces alanine, which is neutral and non-polar, with proline, which is neutral and non-polar, at codon 1523 of the ALK protein (p.Ala1523Pro). This variant is not present in population databases (gnomAD no frequency). This variant has not been reported in the literature in individuals affected with ALK-related conditions. ClinVar contains an entry for this variant (Variation ID: 470878). An algorithm developed to predict the effect of missense changes on protein structure and function (PolyPhen-2) suggests that this variant is likely to be tolerated. In summary, the available evidence is currently insufficient to determine the role of this variant in disease. Therefore, it has been classified as a Variant of Uncertain Significance.